The following is an entry in ClinVar:

ClinVar aggregate classification (germline): Uncertain significance. Review status: criteria provided, multiple submitters, no conflicts (2 of 4 stars). 2 submissions from 2 submitters: Uncertain significance (2). Last evaluated 2025-02-08.

Conditions:
Left ventricular noncompaction 1 (LVNC1). Also called: LEFT VENTRICULAR NONCOMPACTION 1 WITH OR WITHOUT CONGENITAL HEART DEFECTS. Identifiers: Orphanet 54260, MedGen C1858725, MONDO:0011403, OMIM 604169.

Allele frequency attached by ClinVar (database versions not stated): gnomAD exomes 0.00001; TOPMed 0.00001.

Submissions (2):

Labcorp Genetics (formerly Invitae), Labcorp
Classification: Uncertain significance for Left ventricular noncompaction 1. Last evaluated: 2025-02-08. Review status: criteria provided, single submitter. Criteria: Invitae Variant Classification Sherloc (09022015). Collection method: clinical testing. Allele origin: germline.
Comment: This sequence change replaces arginine, which is basic and polar, with histidine, which is basic and polar, at codon 29 of the DTNA protein (p.Arg29His). This variant is present in population databases (no rsID available, gnomAD 0.01%). This variant has not been reported in the literature in individuals affected with DTNA-related conditions. ClinVar contains an entry for this variant (Variation ID: 837704). Invitae Evidence Modeling of protein sequence and biophysical properties (such as structural, functional, and spatial information, amino acid conservation, physicochemical variation, residue mobility, and thermodynamic stability) indicates that this missense variant is not expected to disrupt DTNA protein function with a negative predictive value of 80%. In summary, the available evidence is currently insufficient to determine the role of this variant in disease. Therefore, it has been classified as a Variant of Uncertain Significance.

Blueprint Genetics
Classification: Uncertain significance. Last evaluated: 2023-04-27. Review status: criteria provided, single submitter. Criteria: ACMG Guidelines, 2015. Collection method: clinical testing. Allele origin: germline.

NM_001386795.1(DTNA):c.86G>A (p.Arg29His)

Genes: DTNA (dystrobrevin alpha; plus strand), DTNA-AS1 (DTNA antisense RNA 1; minus strand). Cytogenetic location: 18q12.1.
Variant type: single nucleotide variant.
Coding change: c.86G>A on transcript NM_001386795.1 (MANE Select); coding-DNA position 86, G replaced by A.
Protein change: p.Arg29His; replaces arginine 29 with histidine.
Molecular consequence: missense variant.
Genome position (GRCh38, 1-based): chr18:34,765,979, G>A. VCF-style: chr18-34765979-G-A. GRCh37 (hg19) VCF-style: chr18-32345943-G-A.
Other names: c.86G>A, p.Arg29His (NM_001128175.2, NM_001198938.2, NM_001198939.2 and 35 more transcripts); short protein forms R29H.
Identifiers: ClinVar variation 837704 (VCV000837704.3), dbSNP rs1249921119, ClinGen allele CA402274607.
Genomic context (GRCh38, chr18:34,765,979, plus strand): 5'-GCACACATGGCATACCTTATGTGTCCTTTTTCCCCGCACTAGGGGCTCAAGATCTGGATC[G>A]CATCCGACTCTCCACCTACAGAACAGCATGCAAGCTTAGGTTTGTTCAGAAGAAATGCAA-3'
Protein context (NP_001373724.1, residues 19-39): FAEMRAQDLD[Arg29His]IRLSTYRTAC